The following is an entry in ClinVar:

ClinVar aggregate classification (germline): Uncertain significance (1 of 4 stars; one submission).

Allele frequency attached by ClinVar (database versions not stated): gnomAD exomes below 0.00001; ExAC 0.00001; TOPMed 0.00001; 1000 Genomes Project 0.00020.
gnomAD v4.1: 1 of 1,606,552 alleles (0.000062%); highest among the groups gnomAD compares: South Asian, 0.0011%; no homozygotes.

Submission:

Labcorp Genetics (formerly Invitae), Labcorp
Classification: Uncertain significance. Last evaluated: 2023-07-07. Review status: criteria provided, single submitter. Criteria: Invitae Variant Classification Sherloc (09022015). Collection method: clinical testing. Allele origin: germline.
Comment: This sequence change replaces asparagine, which is neutral and polar, with serine, which is neutral and polar, at codon 211 of the PPP2R1A protein (p.Asn211Ser). This variant is present in population databases (rs201263415, gnomAD 0.007%). This variant has not been reported in the literature in individuals affected with PPP2R1A-related conditions. ClinVar contains an entry for this variant (Variation ID: 1487886). Advanced modeling of protein sequence and biophysical properties (such as structural, functional, and spatial information, amino acid conservation, physicochemical variation, residue mobility, and thermodynamic stability) performed at Invitae indicates that this missense variant is not expected to disrupt PPP2R1A protein function. In summary, the available evidence is currently insufficient to determine the role of this variant in disease. Therefore, it has been classified as a Variant of Uncertain Significance.

NM_014225.6(PPP2R1A):c.632A>G (p.Asn211Ser)

Gene: PPP2R1A (protein phosphatase 2 scaffold subunit Aalpha; plus strand). Cytogenetic location: 19q13.41.
Variant type: single nucleotide variant.
Coding change: c.632A>G on transcript NM_014225.6 (MANE Select); coding-DNA position 632, A replaced by G.
Protein change: p.Asn211Ser; replaces asparagine 211 with serine.
Molecular consequence: missense variant. On other transcripts: non-coding transcript variant (1).
Genome position (GRCh38, 1-based): chr19:52,212,814, A>G. VCF-style: chr19-52212814-A-G. GRCh37 (hg19) VCF-style: chr19-52716067-A-G.
Other names: c.95A>G, p.Asn32Ser (NM_001363656.2); short protein forms N32S, N211S.
Identifiers: ClinVar variation 1487886 (VCV001487886.6), dbSNP rs201263415, ClinGen allele CA9621381.